The following is an entry in ClinVar:

NM_020921.4(NIN):c.5421T>G (p.His1807Gln)

Gene: NIN (ninein; minus strand). Cytogenetic location: 14q22.1.
Variant type: single nucleotide variant.
Coding change: c.5421T>G on transcript NM_020921.4 (MANE Select); coding-DNA position 5421, T replaced by G.
Protein change: p.His1807Gln; replaces histidine 1807 with glutamine.
Molecular consequence: missense variant.
Genome position (GRCh38, 1-based): chr14:50,741,609, A>C on the plus strand (T>G on the coding strand, the complement: NIN is on the minus strand). VCF-style: chr14-50741609-A-C. GRCh37 (hg19) VCF-style: chr14-51208327-A-C.
Other names: c.3282T>G, p.His1094Gln (NM_016350.5); c.5421T>G, p.His1807Gln (NM_182944.3, NM_182946.2); short protein forms H1807Q, H1094Q.
Identifiers: ClinVar variation 4557675 (VCV004557675.2).

ClinVar aggregate classification (germline): Uncertain significance. Review status: criteria provided, multiple submitters, no conflicts (2 of 4 stars). 2 submissions from 2 submitters: Uncertain significance (2). Last evaluated 2025-10-02.

gnomAD v4.1: 13 of 1,614,030 alleles (0.00081%); highest among the groups gnomAD compares: Middle Eastern, 0.016%; no homozygotes.

Submissions (2):

Ambry Genetics
Classification: Uncertain significance. Last evaluated: 2025-10-02. Review status: criteria provided, single submitter. Criteria: Ambry Variant Classification Scheme 2023. Collection method: clinical testing. Allele origin: germline.

Labcorp Genetics (formerly Invitae), Labcorp
Classification: Uncertain significance. Last evaluated: 2025-06-06. Review status: criteria provided, single submitter. Criteria: Invitae Variant Classification Sherloc (09022015). Collection method: clinical testing. Allele origin: germline.
Comment: This sequence change replaces histidine, which is basic and polar, with glutamine, which is neutral and polar, at codon 1807 of the NIN protein (p.His1807Gln). This variant is present in population databases (rs753323389, gnomAD 0.05%). This variant has not been reported in the literature in individuals affected with NIN-related conditions. An algorithm developed to predict the effect of missense changes on protein structure and function outputs the following: PolyPhen-2: "Benign". The glutamine amino acid residue is found in multiple mammalian species, which suggests that this missense change does not adversely affect protein function. In summary, the available evidence is currently insufficient to determine the role of this variant in disease. Therefore, it has been classified as a Variant of Uncertain Significance.